The following is an entry in ClinVar:

ClinVar aggregate classification (germline): Uncertain significance (1 of 4 stars; one submission).

Conditions:
ALG9 congenital disorder of glycosylation (CDG1L). Also called: CONGENITAL DISORDER OF GLYCOSYLATION, TYPE Il; ALG9-CDG; CDG Il. Identifiers: Orphanet 79328, MedGen C2931006, MONDO:0012117, OMIM 608776.

Allele frequency attached by ClinVar (database versions not stated): 1000 Genomes Project 30x 0.00016; 1000 Genomes Project 0.00020.
gnomAD v4.1: 41 of 1,520,610 alleles (0.0027%); highest among the groups gnomAD compares: East Asian, 0.09%; no homozygotes.

Submission:

Labcorp Genetics (formerly Invitae), Labcorp
Classification: Uncertain significance for ALG9 congenital disorder of glycosylation. Last evaluated: 2023-12-11. Review status: criteria provided, single submitter. Criteria: Invitae Variant Classification Sherloc (09022015). Collection method: clinical testing. Allele origin: germline.
Comment: This sequence change falls in intron 1 of the ALG9 gene. It does not directly change the encoded amino acid sequence of the ALG9 protein. It affects a nucleotide within the consensus splice site. This variant is present in population databases (rs567032424, gnomAD 0.09%). This variant has not been reported in the literature in individuals affected with ALG9-related conditions. ClinVar contains an entry for this variant (Variation ID: 1347568). Variants that disrupt the consensus splice site are a relatively common cause of aberrant splicing (PMID: 17576681, 9536098). Algorithms developed to predict the effect of sequence changes on RNA splicing suggest that this variant may disrupt the consensus splice site. In summary, the available evidence is currently insufficient to determine the role of this variant in disease. Therefore, it has been classified as a Variant of Uncertain Significance.

Literature cited by the submitters: PubMed 17576681; PubMed 9536098.

NM_024740.2(ALG9):c.131+5G>A

Genes: ALG9 (ALG9 alpha-1,2-mannosyltransferase; minus strand), LOC130006752 (ATAC-STARR-seq lymphoblastoid silent region 3902; plus strand). Cytogenetic location: 11q23.1.
Variant type: single nucleotide variant.
Coding change: c.131+5G>A on transcript NM_024740.2 (MANE Select); 5 bases into the intron after coding-DNA position 131, G replaced by A.
Molecular consequence: intron variant.
Genome position (GRCh38, 1-based): chr11:111,871,347, C>T on the plus strand (G>A on the coding strand, the complement: ALG9 is on the minus strand). VCF-style: chr11-111871347-C-T. GRCh37 (hg19) VCF-style: chr11-111742070-C-T.
Other names: c.-244+5G>A (NM_001352409.1); c.131+5G>A (NM_001352418.1, NM_001352417.1, NM_001077690.1); c.-387+5G>A (NM_001352410.1, NM_001352413.1).
Identifiers: ClinVar variation 1347568 (VCV001347568.4), dbSNP rs567032424, ClinGen allele CA228561532.
Genomic context (GRCh38, chr11:111,871,347, plus strand): 5'-CCTCCCGGGGGCAGCCCCGAACCGCCCCGCCGGCCGGCCACGCCCCTGCCGCGCCGCACA[C>T]GTACTCGGTCCGGTGCTCCGCGCCGCCCGCCTCTCGGCTGCCCAGCAGCTCCCGCAGCTT-3'